The following is an entry in ClinVar:

NM_001142800.2(EYS):c.1766+1G>T

Gene: EYS (EGF-like photoreceptor maintenance factor; minus strand). Cytogenetic location: 6q12.
Variant type: single nucleotide variant.
Coding change: c.1766+1G>T on transcript NM_001142800.2 (MANE Select); the canonical splice donor site of the intron after coding-DNA position 1766, G replaced by T.
Molecular consequence: splice donor variant. On other transcripts: missense variant (1).
Genome position (GRCh38, 1-based): chr6:65,334,979, C>A on the plus strand (G>T on the coding strand, the complement: EYS is on the minus strand). VCF-style: chr6-65334979-C-A. GRCh37 (hg19) VCF-style: chr6-66044872-C-A.
Other names: c.1767G>T, p.Arg589Ser (NM_198283.2); c.1766+1G>T (NM_001292009.2, NM_001142801.2); short protein forms R589S.
Identifiers: ClinVar variation 639739 (VCV000639739.17), dbSNP rs776204925, ClinGen allele CA3877626.

ClinVar aggregate classification (germline): Pathogenic/Likely pathogenic. Review status: criteria provided, multiple submitters, no conflicts (2 of 4 stars). 8 submissions from 8 submitters: Pathogenic (1); Likely pathogenic (7). Last evaluated 2025-12-15.

Conditions:
EYS-related disorder. Also called: EYS-related condition.
Retinitis pigmentosa (RP). Identifiers: Orphanet 791, MedGen C0035334, MeSH D012174, MONDO:0019200, OMIM 268000. Inheritance: Autosomal dominant, autosomal recessive and X linked inheritance.
Retinal dystrophy. Also called: Inherited retinal dystrophy. Identifiers: Orphanet 71862, MedGen C0854723, MeSH D058499, MONDO:0019118, HP:0000556.
Retinitis pigmentosa 25 (RP25). Identifiers: Orphanet 791, MedGen C1864446, MONDO:0011272, OMIM 602772.

Allele frequency attached by ClinVar (database versions not stated): ExAC 0.00002; gnomAD 0.00002; gnomAD exomes 0.00002; TOPMed 0.00002.
gnomAD v4.1: 37 of 1,605,028 alleles (0.0023%); highest among the groups gnomAD compares: African/African-American, 0.004%; no homozygotes.

Submissions (8):

Labcorp Genetics (formerly Invitae), Labcorp
Classification: Likely pathogenic. Last evaluated: 2025-12-15. Review status: criteria provided, single submitter. Criteria: Invitae Variant Classification Sherloc (09022015). Collection method: clinical testing. Allele origin: germline.
Comment: This sequence change affects a donor splice site in intron 11 of the EYS gene. It is expected to disrupt RNA splicing. Variants that disrupt the donor or acceptor splice site typically lead to a loss of protein function (PMID: 16199547), and loss-of-function variants in EYS are known to be pathogenic (PMID: 18836446, 20333770). This variant is present in population databases (rs776204925, gnomAD 0.006%). This variant has not been reported in the literature in individuals affected with EYS-related conditions. ClinVar contains an entry for this variant (Variation ID: 639739). Algorithms developed to predict the effect of sequence changes on RNA splicing suggest that this variant may disrupt the consensus splice site. In summary, the currently available evidence indicates that the variant is pathogenic, but additional data are needed to prove that conclusively. Therefore, this variant has been classified as Likely Pathogenic.

Natera, Inc.
Classification: Likely pathogenic for Retinitis pigmentosa type 25. Last evaluated: 2025-09-03. Review status: criteria provided, single submitter. Criteria: Natera Variant Classification Schema (03/2026). Collection method: clinical testing. Allele origin: germline.
Comment: The c.1766+1G>T variant in EYS is a canonical splice donor site variant predicted to affect pre-mRNA splicing, which may result in an abnormal transcript and altered protein product. This variant is expected to result in nonsense mediated decay, truncation, or a dysfunctional protein product. This variant is rare in the general population with a frequency below the threshold expected for the associated phenotype(s). Given the available evidence, this variant is classified as Likely Pathogenic.

Baylor Genetics
Classification: Likely pathogenic for Retinitis pigmentosa 25. Last evaluated: 2024-03-27. Review status: criteria provided, single submitter. Criteria: ACMG Guidelines, 2015. Collection method: clinical testing. Allele origin: unknown.

Fulgent Genetics
Classification: Likely pathogenic for Retinitis pigmentosa 25. Last evaluated: 2024-03-22. Review status: criteria provided, single submitter. Criteria: ACMG Guidelines, 2015. Collection method: clinical testing. Allele origin: germline.

Blueprint Genetics
Classification: Likely pathogenic for EYS-related disorders. Last evaluated: 2023-09-07. Review status: criteria provided, single submitter. Criteria: ACMG Guidelines, 2015. Collection method: clinical testing. Allele origin: germline. Affected: yes. Observed: 4 variant alleles.

GeneDx
Classification: Likely pathogenic. Last evaluated: 2023-03-10. Review status: criteria provided, single submitter. Criteria: GeneDx Variant Classification Process June 2021. Collection method: clinical testing. Allele origin: germline. Affected: yes.
Comment: Canonical splice site variant predicted to result in a null allele in a gene for which loss of function is a known mechanism of disease; Reported as likely pathogenic in published literature, but additional evidence is not available (Hanany et al., 2020); This variant is associated with the following publications: (PMID: 31964843)

Women's Health and Genetics/Laboratory Corporation of America, LabCorp
Classification: Likely pathogenic for Retinitis pigmentosa. Last evaluated: 2020-09-28. Review status: criteria provided, single submitter. Criteria: LabCorp Variant Classification Summary - May 2015. Collection method: clinical testing. Allele origin: germline.
Comment: Variant summary: EYS c.1766+1G>T is located in a canonical splice-site and is predicted to affect mRNA splicing resulting in a significantly altered protein due to either exon skipping, shortening, or inclusion of intronic material. Several computational tools predict a significant impact on normal splicing: Three predict the variant abolishes a 5' splicing donor site. However, these predictions have yet to be confirmed by functional studies. The variant allele was found at a frequency of 2.4e-05 in 249334 control chromosomes. To our knowledge, no occurrence of c.1766+1G>T in individuals affected with Retinitis Pigmentosa and no experimental evidence demonstrating its impact on protein function have been reported. One clinical diagnostic laboratory has submitted clinical-significance assessments for this variant to ClinVar after 2014 without evidence for independent evaluation, citing the variant as likely pathogenic. Based on the evidence outlined above, the variant was classified as likely pathogenic.

Institute of Human Genetics, Univ. Regensburg, Univ. Regensburg
Classification: Pathogenic for Retinal dystrophy. Last evaluated: 2019-01-01. Review status: criteria provided, single submitter. Criteria: ACMG Guidelines, 2015. Collection method: clinical testing. Allele origin: germline. Affected: yes.

Literature cited by the submitters: PubMed 16199547 (cited by Labcorp Genetics (formerly Invitae), Labcorp); PubMed 18836446 (cited by Labcorp Genetics (formerly Invitae), Labcorp); PubMed 20333770 (cited by Labcorp Genetics (formerly Invitae), Labcorp); PubMed 31964843 (cited by Institute of Human Genetics, Univ. Regensburg, Univ. Regensburg).